The following is an entry in ClinVar:

NM_000436.4(OXCT1):c.649C>T (p.Arg217Ter)

Gene: OXCT1 (3-oxoacid CoA-transferase 1; minus strand). Cytogenetic location: 5p13.1.
Variant type: single nucleotide variant.
Coding change: c.649C>T on transcript NM_000436.4 (MANE Select); coding-DNA position 649, C replaced by T.
Protein change: p.Arg217Ter; replaces arginine 217 with a stop codon.
Molecular consequence: nonsense. On other transcripts: non-coding transcript variant (1).
Genome position (GRCh38, 1-based): chr5:41,842,697, G>A on the plus strand (C>T on the coding strand, the complement: OXCT1 is on the minus strand). VCF-style: chr5-41842697-G-A. GRCh37 (hg19) VCF-style: chr5-41842799-G-A.
Other names: c.670C>T, p.Arg224Ter (NM_001364299.2, NM_001364300.2); c.649C>T, p.Arg217Ter (NM_001364301.2, NM_001364302.2); c.91C>T, p.Arg31Ter (NM_001364303.2); short protein forms R217*, R224*, R31*.
Identifiers: ClinVar variation 1071421 (VCV001071421.9), dbSNP rs758813974, ClinGen allele CA3253545.
Genomic context (GRCh38, chr5:41,842,697, plus strand): 5'-GCTGATATGCACGAGTGTTTTTAAAACTATCACAATACCTGAAAATCACGTTTCCTGCTC[G>A]GTCCGCCTTCCAGGCTTTCACCAAAGCAAAATCCCCTGTAATTGCTTCCTCCAAAATAAA-3'

ClinVar aggregate classification (germline): Pathogenic (1 of 4 stars; one submission).

Conditions:
Succinyl-CoA acetoacetate transferase deficiency (SCOTD). Also called: 3-Oxoacid CoA Transferase Deficiency; SCOT DEFICIENCY; SUCCINYL-CoA:3-KETOACID CoA-TRANSFERASE DEFICIENCY; Succinyl CoA:3-oxoacid CoA transferase deficiency; KETOACIDOSIS DUE TO SCOT DEFICIENCY. Identifiers: Orphanet 832, MedGen C0342792, MONDO:0009492, OMIM 245050.

Allele frequency attached by ClinVar (database versions not stated): gnomAD exomes below 0.00001; ExAC 0.00001.
gnomAD v4.1: 2 of 1,612,808 alleles (0.00012%); highest among the groups gnomAD compares: Non-Finnish European, 0.00017%; no homozygotes.

Submission:

Labcorp Genetics (formerly Invitae), Labcorp
Classification: Pathogenic for Succinyl-CoA acetoacetate transferase deficiency. Last evaluated: 2023-10-03. Review status: criteria provided, single submitter. Criteria: Invitae Variant Classification Sherloc (09022015). Collection method: clinical testing. Allele origin: germline.
Comment: This sequence change creates a premature translational stop signal (p.Arg217*) in the OXCT1 gene. It is expected to result in an absent or disrupted protein product. Loss-of-function variants in OXCT1 are known to be pathogenic (PMID: 8751852). This variant is present in population databases (rs758813974, gnomAD 0.0009%). This premature translational stop signal has been observed in individual(s) with succinyl CoA:3-oxoacid CoA transferase (SCOT) deficiency (PMID: 15669687). ClinVar contains an entry for this variant (Variation ID: 1071421). For these reasons, this variant has been classified as Pathogenic.

Literature cited by the submitters: PubMed 8751852; PubMed 15669687.